The following is an entry in ClinVar:

ClinVar aggregate classification (germline): Pathogenic (1 of 4 stars; one submission).

Conditions:
Hereditary cancer-predisposing syndrome. Also called: Hereditary Cancer Syndrome; Hereditary neoplastic syndrome; Neoplastic Syndromes, Hereditary; Tumor predisposition. Identifiers: Orphanet 140162, MedGen C0027672, MeSH D009386, MONDO:0015356.

Allele frequency attached by ClinVar (database versions not stated): gnomAD exomes below 0.00001.
gnomAD v4.1: 2 of 1,614,070 alleles (0.00012%); highest among the groups gnomAD compares: Non-Finnish European, 0.000085%; no homozygotes.

Submission:

Ambry Genetics
Classification: Pathogenic for Hereditary cancer-predisposing syndrome. Last evaluated: 2021-07-20. Review status: criteria provided, single submitter. Criteria: Ambry Variant Classification Scheme 2023. Collection method: clinical testing. Allele origin: germline.
Comment: The p.K1559* pathogenic mutation (also known as c.4675A>T), located in coding exon 32 of the SMARCA4 gene, results from an A to T substitution at nucleotide position 4675. This changes the amino acid from a lysine to a stop codon within coding exon 32. This variant is considered to be rare based on population cohorts in the Genome Aggregation Database (gnomAD). This alteration is expected to result in loss of function by premature protein truncation or nonsense-mediated mRNA decay. Loss-of-function variants in SMARCA4 are known to cause rhabdoid tumor predisposition syndrome including small cell carcinoma of the ovary-hypercalcemic type (SCCOHT); however, such associations with neurodevelopmental disorders are exceedingly rare (Kosho T et al. Am J Med Genet C Semin Med Genet. 2014 Sep;166C(3):262-75; Jelinic P et al. Nat Genet. 2014 May;46(5):424-6). Based on the supporting evidence, this alteration is pathogenic for rhabdoid tumor predisposition syndrome; however, the association of this alteration with Coffin-Siris syndrome is unlikely.

NM_003072.5(SMARCA4):c.4579A>T (p.Lys1527Ter)

Gene: SMARCA4 (SWI/SNF related BAF chromatin remodeling complex subunit ATPase 4; plus strand). Cytogenetic location: 19p13.2.
Variant type: single nucleotide variant.
Coding change: c.4579A>T on transcript NM_003072.5 (MANE Select); coding-DNA position 4579, A replaced by T.
Protein change: p.Lys1527Ter; replaces lysine 1527 with a stop codon.
Molecular consequence: nonsense. On other transcripts: non-coding transcript variant (1).
Genome position (GRCh38, 1-based): chr19:11,058,833, A>T. VCF-style: chr19-11058833-A-T. GRCh37 (hg19) VCF-style: chr19-11169509-A-T.
Other names: c.4579A>T, p.Lys1527Ter (NM_001128844.3); c.4489A>T, p.Lys1497Ter (NM_001128845.2); c.4486A>T, p.Lys1496Ter (NM_001128846.2); c.4480A>T, p.Lys1494Ter (NM_001128847.4, NM_001374457.1); c.4477A>T, p.Lys1493Ter (NM_001128848.2); c.4675A>T, p.Lys1559Ter (NM_001128849.3, NM_001387283.1); c.4576A>T, p.Lys1526Ter (NM_001411150.1); short protein forms K1493*, K1497*, K1526*, K1559*, K1496*, K1494*, K1527*.
Identifiers: ClinVar variation 1742350 (VCV001742350.3), dbSNP rs2147097839, ClinGen allele CA404078877.